The following is an entry in ClinVar:

ClinVar aggregate classification (germline): Uncertain significance (1 of 4 stars; one submission).

Conditions:
Spermatogenic failure 18. Identifiers: MedGen C4539783, MONDO:0054615, OMIM 617576.
Ciliary dyskinesia, primary, 37 (CILD37). Also called: CILIARY DYSKINESIA, PRIMARY, 37, WITH OR WITHOUT SITUS INVERSUS. Identifiers: MedGen C4539798, MONDO:0033204, OMIM 617577.

Allele frequency attached by ClinVar (database versions not stated): gnomAD exomes below 0.00001; gnomAD 0.00001; TOPMed 0.00002.
gnomAD v4.1: 5 of 1,575,024 alleles (0.00032%); highest among the groups gnomAD compares: Non-Finnish European, 0.00034%; no homozygotes.

Submission:

Labcorp Genetics (formerly Invitae), Labcorp
Classification: Uncertain significance for Ciliary dyskinesia, primary, 37; Spermatogenic failure 18. Last evaluated: 2024-04-10. Review status: criteria provided, single submitter. Criteria: Invitae Variant Classification Sherloc (09022015). Collection method: clinical testing. Allele origin: germline.
Comment: This sequence change replaces arginine, which is basic and polar, with cysteine, which is neutral and slightly polar, at codon 2939 of the DNAH1 protein (p.Arg2939Cys). This variant is not present in population databases (gnomAD no frequency). This missense change has been observed in individual(s) with clinical features of DNAH1-related conditions (Invitae). ClinVar contains an entry for this variant (Variation ID: 944280). Advanced modeling of protein sequence and biophysical properties (such as structural, functional, and spatial information, amino acid conservation, physicochemical variation, residue mobility, and thermodynamic stability) performed at Invitae indicates that this missense variant is expected to disrupt DNAH1 protein function with a positive predictive value of 80%. In summary, the available evidence is currently insufficient to determine the role of this variant in disease. Therefore, it has been classified as a Variant of Uncertain Significance.

NM_015512.5(DNAH1):c.8815C>T (p.Arg2939Cys)

Gene: DNAH1 (dynein axonemal heavy chain 1; plus strand). Cytogenetic location: 3p21.1.
Variant type: single nucleotide variant.
Coding change: c.8815C>T on transcript NM_015512.5 (MANE Select); coding-DNA position 8815, C replaced by T.
Protein change: p.Arg2939Cys; replaces arginine 2939 with cysteine.
Molecular consequence: missense variant.
Genome position (GRCh38, 1-based): chr3:52,386,665, C>T. VCF-style: chr3-52386665-C-T. GRCh37 (hg19) VCF-style: chr3-52420681-C-T.
Other names: short protein forms R2939C.
Identifiers: ClinVar variation 944280 (VCV000944280.6), dbSNP rs1453330887, ClinGen allele CA353191914.